The following is an entry in ClinVar:

ClinVar aggregate classification (germline): Uncertain significance. Review status: criteria provided, multiple submitters, no conflicts (2 of 4 stars). 2 submissions from 2 submitters: Uncertain significance (2). Last evaluated 2024-08-10.

Conditions:
Amyotrophic lateral sclerosis type 1 (ALS1). Also called: AMYOTROPHIC LATERAL SCLEROSIS 1, FAMILIAL. Identifiers: Orphanet 803, MedGen C1862939, MONDO:0007103, OMIM 105400.
Neuronopathy, distal hereditary motor, type 7B. Also called: Distal Hereditary Motor Neuronopathy Type 7B (dHMN7B); HMN VIIB; LOWER MOTOR NEURON DISEASE, DYNACTIN TYPE; NEURONOPATHY, DISTAL HEREDITARY MOTOR, AUTOSOMAL DOMINANT 14; NEURONOPATHY, DISTAL HEREDITARY MOTOR, HARDING TYPE VIIB; NEUROPATHY, DISTAL HEREDITARY MOTOR, HARDING TYPE VIIB. Identifiers: Orphanet 139589, MedGen C1843315, MONDO:0011879, OMIM 607641.
Perry syndrome. Also called: PARKINSONISM WITH ALVEOLAR HYPOVENTILATION AND MENTAL DEPRESSION. Identifiers: Orphanet 178509, MedGen C1868594, MONDO:0008201, OMIM 168605.

Allele frequency attached by ClinVar (database versions not stated): ExAC 0.00002; gnomAD exomes 0.00002.
gnomAD v4.1: 22 of 1,614,170 alleles (0.0014%); highest among the groups gnomAD compares: South Asian, 0.024%; no homozygotes.

Submissions (2):

GeneDx
Classification: Uncertain significance. Last evaluated: 2024-08-10. Review status: criteria provided, single submitter. Criteria: GeneDx Variant Classification Process June 2021. Collection method: clinical testing. Allele origin: germline. Affected: yes.
Comment: In silico analysis supports that this missense variant has a deleterious effect on protein structure/function; Has not been previously published as pathogenic or benign to our knowledge

Labcorp Genetics (formerly Invitae), Labcorp
Classification: Uncertain significance for Amyotrophic lateral sclerosis type 1; Neuronopathy, distal hereditary motor, type 7B; Perry syndrome. Last evaluated: 2023-06-08. Review status: criteria provided, single submitter. Criteria: Invitae Variant Classification Sherloc (09022015). Collection method: clinical testing. Allele origin: germline.
Comment: In summary, the available evidence is currently insufficient to determine the role of this variant in disease. Therefore, it has been classified as a Variant of Uncertain Significance. Advanced modeling of protein sequence and biophysical properties (such as structural, functional, and spatial information, amino acid conservation, physicochemical variation, residue mobility, and thermodynamic stability) performed at Invitae indicates that this missense variant is not expected to disrupt DCTN1 protein function. ClinVar contains an entry for this variant (Variation ID: 2149956). This variant has not been reported in the literature in individuals affected with DCTN1-related conditions. This variant is present in population databases (rs781205012, gnomAD 0.01%). This sequence change replaces proline, which is neutral and non-polar, with leucine, which is neutral and non-polar, at codon 690 of the DCTN1 protein (p.Pro690Leu).

NM_004082.5(DCTN1):c.2069C>T (p.Pro690Leu)

Gene: DCTN1 (dynactin subunit 1; minus strand). Cytogenetic location: 2p13.1.
Variant type: single nucleotide variant.
Coding change: c.2069C>T on transcript NM_004082.5 (MANE Select); coding-DNA position 2069, C replaced by T.
Protein change: p.Pro690Leu; replaces proline 690 with leucine.
Molecular consequence: missense variant. On other transcripts: non-coding transcript variant (1).
Genome position (GRCh38, 1-based): chr2:74,367,811, G>A on the plus strand (C>T on the coding strand, the complement: DCTN1 is on the minus strand). VCF-style: chr2-74367811-G-A. GRCh37 (hg19) VCF-style: chr2-74594938-G-A.
Other names: c.2009C>T, p.Pro670Leu (NM_001135040.3); c.1667C>T, p.Pro556Leu (NM_001135041.3, NM_023019.4); c.1958C>T, p.Pro653Leu (NM_001190836.2); c.2048C>T, p.Pro683Leu (NM_001190837.2); c.2018C>T, p.Pro673Leu (NM_001378991.1); c.2000C>T, p.Pro667Leu (NM_001378992.1); short protein forms P683L, P556L, P667L, P673L, P670L, P690L, P653L.
Identifiers: ClinVar variation 2149956 (VCV002149956.5), dbSNP rs781205012, ClinGen allele CA1721960.